The following is an entry in ClinVar:

NM_018129.4(PNPO):c.319T>G (p.Phe107Val)

Gene: PNPO (pyridoxamine 5'-phosphate oxidase; plus strand). Cytogenetic location: 17q21.32.
Variant type: single nucleotide variant.
Coding change: c.319T>G on transcript NM_018129.4 (MANE Select); coding-DNA position 319, T replaced by G.
Protein change: p.Phe107Val; replaces phenylalanine 107 with valine.
Molecular consequence: missense variant.
Genome position (GRCh38, 1-based): chr17:47,944,671, T>G. VCF-style: chr17-47944671-T-G. GRCh37 (hg19) VCF-style: chr17-46022037-T-G.
Other names: short protein forms F107V.
Identifiers: ClinVar variation 847119 (VCV000847119.9), dbSNP rs2035985793, ClinGen allele CA400057114.

ClinVar aggregate classification (germline): Uncertain significance (1 of 4 stars; one submission).

Conditions:
Pyridoxal phosphate-responsive seizures (PNPOD). Also called: Pyridoxine-5'-phosphate oxidase deficiency; SEIZURES, PYRIDOXINE-RESISTANT, PLP-SENSITIVE; EPILEPTIC ENCEPHALOPATHY, NEONATAL, PNPO-RELATED; Pyridoxamine 5-Prime-Phosphate Oxidase Deficiency; Pyridoxal 5'-Phosphate (PLP)-Dependent Epilepsy. Identifiers: Orphanet 79096, MedGen C1864723, MONDO:0012407, OMIM 610090. Disease mechanism: loss of function.

Allele frequency attached by ClinVar (database versions not stated): gnomAD exomes below 0.00001.
gnomAD v4.1: 2 of 1,614,196 alleles (0.00012%); highest among the groups gnomAD compares: African/African-American, 0.0013%; no homozygotes.

Submission:

Labcorp Genetics (formerly Invitae), Labcorp
Classification: Uncertain significance for Pyridoxal phosphate-responsive seizures. Last evaluated: 2019-03-11. Review status: criteria provided, single submitter. Criteria: Invitae Variant Classification Sherloc (09022015). Collection method: clinical testing. Allele origin: germline.
Comment: This sequence change replaces phenylalanine with valine at codon 107 of the PNPO protein (p.Phe107Val). The phenylalanine residue is highly conserved and there is a small physicochemical difference between phenylalanine and valine. This variant is not present in population databases (ExAC no frequency). This variant has not been reported in the literature in individuals with PNPO-related conditions. In summary, the available evidence is currently insufficient to determine the role of this variant in disease. Therefore, it has been classified as a Variant of Uncertain Significance. Algorithms developed to predict the effect of missense changes on protein structure and function (SIFT, PolyPhen-2, Align-GVGD) all suggest that this variant is likely to be disruptive, but these predictions have not been confirmed by published functional studies and their clinical significance is uncertain.